The following is an entry in ClinVar:

ClinVar aggregate classification (germline): Uncertain significance (1 of 4 stars; one submission).

Allele frequency attached by ClinVar (database versions not stated): gnomAD 0.00001; gnomAD exomes 0.00002.
gnomAD v4.1: 29 of 1,613,916 alleles (0.0018%); highest among the groups gnomAD compares: Non-Finnish European, 0.0024%; no homozygotes.

Submission:

Labcorp Genetics (formerly Invitae), Labcorp
Classification: Uncertain significance. Last evaluated: 2021-01-14. Review status: criteria provided, single submitter. Criteria: Invitae Variant Classification Sherloc (09022015). Collection method: clinical testing. Allele origin: germline.
Comment: In summary, the available evidence is currently insufficient to determine the role of this variant in disease. Therefore, it has been classified as a Variant of Uncertain Significance. Algorithms developed to predict the effect of missense changes on protein structure and function are either unavailable or do not agree on the potential impact of this missense change (SIFT: "Not Available"; PolyPhen-2: "Benign"; Align-GVGD: "Not Available"). This variant has not been reported in the literature in individuals with FN1-related conditions. This variant is not present in population databases (ExAC no frequency). This sequence change replaces valine with leucine at codon 1048 of the FN1 protein (p.Val1048Leu). The valine residue is weakly conserved and there is a small physicochemical difference between valine and leucine.

NM_212482.4(FN1):c.3142G>C (p.Val1048Leu)

Gene: FN1 (fibronectin 1; minus strand). Cytogenetic location: 2q35.
Variant type: single nucleotide variant.
Coding change: c.3142G>C on transcript NM_212482.4 (MANE Select); coding-DNA position 3142, G replaced by C.
Protein change: p.Val1048Leu; replaces valine 1048 with leucine.
Molecular consequence: missense variant.
Genome position (GRCh38, 1-based): chr2:215,404,500, C>G on the plus strand (G>C on the coding strand, the complement: FN1 is on the minus strand). VCF-style: chr2-215404500-C-G. GRCh37 (hg19) VCF-style: chr2-216269223-C-G.
Other names: c.3142G>C, p.Val1048Leu (NM_001306129.2, NM_001306130.2, NM_001306131.2 and 13 more transcripts); short protein forms V1048L.
Identifiers: ClinVar variation 1011942 (VCV001011942.6), dbSNP rs2061523342, ClinGen allele CA350489283.